The following is an entry in ClinVar:

NM_000038.6(APC):c.1185T>C (p.Pro395=)

Gene: APC (APC regulator of Wnt signaling pathway; plus strand). Cytogenetic location: 5q22.2.
Variant type: single nucleotide variant.
Coding change: c.1185T>C on transcript NM_000038.6 (MANE Select); coding-DNA position 1185, T replaced by C.
Protein change: p.Pro395=; no amino-acid change (proline 395 retained).
Molecular consequence: synonymous variant. On other transcripts: intron variant (4).
Genome position (GRCh38, 1-based): chr5:112,819,217, T>C. VCF-style: chr5-112819217-T-C. GRCh37 (hg19) VCF-style: chr5-112154914-T-C.
Other names: c.1185T>C, p.Pro395= (NM_001127510.3, NM_001354895.2, NM_001354896.2); c.1131T>C, p.Pro377= (NM_001127511.3); c.1215T>C, p.Pro405= (NM_001354897.2); c.1110T>C, p.Pro370= (NM_001354898.2); c.1101T>C, p.Pro367= (NM_001354899.2); c.1008T>C, p.Pro336= (NM_001354900.2, NM_001354901.2); c.336T>C, p.Pro112= (NM_001354906.2); c.964-52T>C (NM_001354902.2); and 3 more.
Identifiers: ClinVar variation 1661085 (VCV001661085.9), dbSNP rs2149782231, ClinGen allele CA445960335.
Genomic context (GRCh38, chr5:112,819,217, plus strand): 5'-CAGTAAAGAGGCTCGGGCCAGGGCCAGTGCAGCACTCCACAACATCATTCACTCACAGCC[T>C]GATGACAAGAGAGGCAGGCGTGAAATCCGAGTCCTTCATCTTTTGGAACAGATACGCGCT-3'
Protein context (NP_000029.2, residues 385-405): AALHNIIHSQ[Pro395=]DDKRGRREIR

ClinVar aggregate classification (germline): Benign/Likely benign. Review status: criteria provided, multiple submitters, no conflicts (2 of 4 stars). 2 submissions from 2 submitters: Benign (1); Likely benign (1). Last evaluated 2024-03-01.

Conditions:
Familial adenomatous polyposis 1 (FAP1). Also called: POLYPOSIS, ADENOMATOUS INTESTINAL; FAMILIAL ADENOMATOUS POLYPOSIS 1, ATTENUATED. Identifiers: MedGen C2713442, MONDO:0021056, OMIM 175100. Disease mechanism: loss of function.

Submissions (2):

Myriad Genetics, Inc.
Classification: Benign for Familial adenomatous polyposis 1. Last evaluated: 2024-03-01. Review status: criteria provided, single submitter. Criteria: Myriad Autosomal Dominant, Autosomal Recessive and X-Linked Classification Criteria (2023). Collection method: clinical testing. Allele origin: unknown.
Comment: This variant is considered benign. This variant is a silent/synonymous amino acid change and it is not expected to impact splicing.

Labcorp Genetics (formerly Invitae), Labcorp
Classification: Likely benign for Familial adenomatous polyposis 1. Last evaluated: 2022-03-26. Review status: criteria provided, single submitter. Criteria: Invitae Variant Classification Sherloc (09022015). Collection method: clinical testing. Allele origin: germline.